The following is an entry in ClinVar:

NM_001170629.2(CHD8):c.3991G>C (p.Asp1331His)

Gene: CHD8 (chromodomain helicase DNA binding protein 8; minus strand). Cytogenetic location: 14q11.2.
Variant type: single nucleotide variant.
Coding change: c.3991G>C on transcript NM_001170629.2 (MANE Select); coding-DNA position 3991, G replaced by C.
Protein change: p.Asp1331His; replaces aspartic acid 1331 with histidine.
Molecular consequence: missense variant.
Genome position (GRCh38, 1-based): chr14:21,402,028, C>G on the plus strand (G>C on the coding strand, the complement: CHD8 is on the minus strand). VCF-style: chr14-21402028-C-G. GRCh37 (hg19) VCF-style: chr14-21870187-C-G.
Other names: c.3154G>C, p.Asp1052His (NM_020920.4); short protein forms D1052H, D1331H.
Identifiers: ClinVar variation 3378277 (VCV003378277.1).
Genomic context (GRCh38, chr14:21,402,028, plus strand): 5'-TGGAACCTTTTCCTTCAGATTCAATGGTGATGGTTGTAGTTCGTCTTAACAAGATCTGGT[C>G]AATGTCCTCTTCACAAAACTTGGAGCCTTCATCATCTTCCTCCATGATGGCTGCATATGC-3'
Protein context (NP_001164100.1, residues 1321-1341): EGSKFCEEDI[Asp1331His]QILLRRTTTI

ClinVar aggregate classification (germline): Uncertain significance (1 of 4 stars; one submission).

Submission:

GeneDx
Classification: Uncertain significance. Last evaluated: 2024-05-13. Review status: criteria provided, single submitter. Criteria: GeneDx Variant Classification Process June 2021. Collection method: clinical testing. Allele origin: germline. Affected: yes.
Comment: Not observed at significant frequency in large population cohorts (gnomAD); In silico analysis supports that this missense variant has a deleterious effect on protein structure/function; Has not been previously published as pathogenic or benign to our knowledge